The following is an entry in ClinVar:

ClinVar aggregate classification (germline): Uncertain significance (1 of 4 stars; one submission).

Allele frequency attached by ClinVar (database versions not stated): gnomAD exomes below 0.00001; TOPMed below 0.00001; ExAC 0.00001; gnomAD 0.00001; 1000 Genomes Project 0.00020; 1000 Genomes Project 30x 0.00031.
gnomAD v4.1: 7 of 1,614,090 alleles (0.00043%); highest among the groups gnomAD compares: African/African-American, 0.0013%; no homozygotes.

Submission:

GeneDx
Classification: Uncertain significance. Last evaluated: 2022-06-20. Review status: criteria provided, single submitter. Criteria: GeneDx Variant Classification Process June 2021. Collection method: clinical testing. Allele origin: germline. Affected: yes.
Comment: In silico analysis supports that this missense variant has a deleterious effect on protein structure/function; Has not been previously published as pathogenic or benign to our knowledge

NM_001374353.1(GLI2):c.1597C>T (p.Arg533Cys)

Gene: GLI2 (GLI family zinc finger 2; plus strand). Cytogenetic location: 2q14.2.
Variant type: single nucleotide variant.
Coding change: c.1597C>T on transcript NM_001374353.1 (MANE Select); coding-DNA position 1597, C replaced by T.
Protein change: p.Arg533Cys; replaces arginine 533 with cysteine.
Molecular consequence: missense variant.
Genome position (GRCh38, 1-based): chr2:120,982,845, C>T. VCF-style: chr2-120982845-C-T. GRCh37 (hg19) VCF-style: chr2-121740421-C-T.
Other names: c.1648C>T, p.Arg550Cys (NM_001371271.1, NM_005270.5); c.1222C>T, p.Arg408Cys (NM_001374354.1); short protein forms R408C, R533C, R550C.
Identifiers: ClinVar variation 1806602 (VCV001806602.1), dbSNP rs564753456, ClinGen allele CA1851961.